The following is an entry in ClinVar:

NM_004006.3(DMD):c.1439G>C (p.Gly480Ala)

Gene: DMD (dystrophin; minus strand). Cytogenetic location: Xp21.1.
Variant type: single nucleotide variant.
Coding change: c.1439G>C on transcript NM_004006.3 (MANE Select); coding-DNA position 1439, G replaced by C.
Protein change: p.Gly480Ala; replaces glycine 480 with alanine.
Molecular consequence: missense variant.
Genome position (GRCh38, 1-based): chrX:32,614,346, C>G on the plus strand (G>C on the coding strand, the complement: DMD is on the minus strand). VCF-style: chrX-32614346-C-G. GRCh37 (hg19) VCF-style: chrX-32632463-C-G.
Other names: c.1415G>C, p.Gly472Ala (NM_000109.4); c.1427G>C, p.Gly476Ala (NM_004009.3); c.1070G>C, p.Gly357Ala (NM_004010.3); short protein forms G357A, G472A, G476A, G480A.
Identifiers: ClinVar variation 1420925 (VCV001420925.8), dbSNP rs1569310654, ClinGen allele CA412669881.

ClinVar aggregate classification (germline): Uncertain significance (1 of 4 stars; one submission).

Conditions:
Duchenne muscular dystrophy (DMD). Also called: MUSCULAR DYSTROPHY, PSEUDOHYPERTROPHIC PROGRESSIVE, DUCHENNE TYPE; Duchenne Muscular Dystrophy (DMD). Identifiers: Orphanet 98896, MedGen C0013264, MONDO:0010679, OMIM 310200.

Allele frequency attached by ClinVar (database versions not stated): TOPMed below 0.00001.

Submission:

Labcorp Genetics (formerly Invitae), Labcorp
Classification: Uncertain significance for Duchenne muscular dystrophy. Last evaluated: 2022-04-12. Review status: criteria provided, single submitter. Criteria: Invitae Variant Classification Sherloc (09022015). Collection method: clinical testing. Allele origin: germline.
Comment: This sequence change replaces glycine, which is neutral and non-polar, with alanine, which is neutral and non-polar, at codon 480 of the DMD protein (p.Gly480Ala). This variant is not present in population databases (gnomAD no frequency). In summary, the available evidence is currently insufficient to determine the role of this variant in disease. Therefore, it has been classified as a Variant of Uncertain Significance. Algorithms developed to predict the effect of missense changes on protein structure and function (SIFT, PolyPhen-2, Align-GVGD) all suggest that this variant is likely to be disruptive. This variant has not been reported in the literature in individuals affected with DMD-related conditions.